The following is an entry in ClinVar:

ClinVar aggregate classification (germline): Conflicting classifications of pathogenicity. Review status: criteria provided, conflicting classifications (1 of 4 stars). 10 submissions from 10 submitters: Uncertain significance (2); Benign (1); Likely benign (6). 1 of the submissions does not count toward it. Last evaluated 2025-12-22.

Conditions:
Hereditary cancer-predisposing syndrome. Also called: Tumor predisposition; Neoplastic Syndromes, Hereditary; Hereditary Cancer Syndrome; Hereditary neoplastic syndrome. Identifiers: Orphanet 140162, MedGen C0027672, MeSH D009386, MONDO:0015356.
Hereditary breast ovarian cancer syndrome. Also called: Hereditary breast and ovarian cancer syndrome (HBOC); Hereditary breast and ovarian cancer syndrome; Hereditary breast and ovarian cancer; Hereditary breast and/or ovarian cancer syndrome; Breast and ovarian cancer; BRCA1- and BRCA2-Associated Hereditary Breast and Ovarian Cancer. Identifiers: Orphanet 145, MedGen C0677776, MeSH D061325, MONDO:0003582. Disease mechanism: loss of function.
Breast-ovarian cancer, familial, susceptibility to, 1 (BROVCA1). Also called: OVARIAN CANCER, SUSCEPTIBILITY TO; BRCA1 Hereditary Breast and Ovarian Cancer. Identifiers: Orphanet 145, MedGen C2676676, MONDO:0011450, OMIM 604370. Disease mechanism: loss of function.

Allele frequency attached by ClinVar (database versions not stated): gnomAD 0.00001; gnomAD exomes 0.00001 and 0.00002; TOPMed 0.00002; ESP Exome Variant Server 0.00008.
gnomAD v4.1: 20 of 1,614,062 alleles (0.0012%); highest among the groups gnomAD compares: Admixed American, 0.005%; no homozygotes.

Submissions (10):

Labcorp Genetics (formerly Invitae), Labcorp
Classification: Likely benign for Hereditary breast ovarian cancer syndrome. Last evaluated: 2025-12-22. Review status: criteria provided, single submitter. Criteria: Invitae Variant Classification Sherloc (09022015). Collection method: clinical testing. Allele origin: germline.

Women's Health and Genetics/Laboratory Corporation of America, LabCorp
Classification: Uncertain significance. Last evaluated: 2025-07-08. Review status: criteria provided, single submitter. Criteria: LabCorp Variant Classification Summary - May 2015. Collection method: clinical testing. Allele origin: germline.
Comment: Variant summary: BRCA1 c.1258G>T (p.Asp420Tyr) results in a non-conservative amino acid change located in the BRCA1, serine-rich domain (IPR025994) of the encoded protein sequence. Algorithms developed to predict the effect of missense changes on protein structure and function are either unavailable or do not agree on the potential impact of this missense change. The variant allele was found at a frequency of 2.4e-05 in 250814 control chromosomes. The available data on variant occurrences in the general population are insufficient to allow any conclusion about variant significance. c.1258G>T has been reported in the literature as a variant of uncertain significance (VUS) in individuals affected with Breast and/or Ovarian Cancer (example: Alemar_2017). These report(s) do not provide unequivocal conclusions about association of the variant with Hereditary Breast And Ovarian Cancer Syndrome. Multifactorial probability models have predicted a neutral/benign (not pathogenic) IARC class 1 outcome for this variant (example: Lindor_2012). To our knowledge, no experimental evidence demonstrating an impact on protein function has been reported. The following publications have been ascertained in the context of this evaluation (PMID: 21990134, 29161300, 33087888). ClinVar contains an entry for this variant (Variation ID: 54178). Based on the evidence outlined above, the variant was classified as VUS-possibly benign.

Dasa
Classification: Uncertain significance for Breast-ovarian cancer, familial, susceptibility to, 1. Last evaluated: 2025-03-03. Review status: criteria provided, single submitter. Criteria: DASA Assertion Criteria. Collection method: clinical testing. Allele origin: germline.
Comment: NM_007294.4(BRCA1):c.1258G>T (p.Asp420Tyr) is a missense variant that results in the substitution of aspartic acid with tyrosine. This variant is rare in population databases. The currently available literature and clinical evidence are not sufficient to establish a definitive association between this variant and the reported condition. Therefore, this variant is classified as a variant of uncertain significance.

Mendelics
Classification: Benign for Hereditary breast ovarian cancer syndrome. Last evaluated: 2023-08-22. Review status: criteria provided, single submitter. Criteria: Mendelics Assertion Criteria 2019. Collection method: clinical testing. Allele origin: germline.

University of Washington Department of Laboratory Medicine, University of Washington
Classification: Likely benign for Hereditary cancer-predisposing syndrome. Last evaluated: 2023-03-23. Review status: criteria provided, single submitter. Criteria: Dines et al. (Genet Med. 2020). Collection method: curation. Allele origin: germline.
Comment: Missense variant in a coldspot region where missense variants are very unlikely to be pathogenic (PMID:31911673).

BRCA1 coldspot (exon 11 using historical exon numbering). Reclassification based on statistical prior probability

Quest Diagnostics Nichols Institute San Juan Capistrano
Classification: Likely benign. Last evaluated: 2022-11-01. Review status: criteria provided, single submitter. Criteria: Quest Diagnostics criteria. Collection method: clinical testing. Allele origin: unknown.

Ambry Genetics
Classification: Likely benign for Hereditary cancer-predisposing syndrome. Last evaluated: 2019-03-13. Review status: criteria provided, single submitter. Criteria: Ambry Variant Classification Scheme 2023. Collection method: clinical testing. Allele origin: germline.

GeneDx
Classification: Likely benign. Last evaluated: 2018-10-12. Review status: criteria provided, single submitter. Criteria: GeneDx Variant Classification Process June 2021. Collection method: clinical testing. Allele origin: germline. Affected: yes.
Comment: This variant is associated with the following publications: (PMID: 16518693, 22753008, 17924331, 21990134, 29161300, 33087888)

Color Diagnostics, LLC DBA Color Health
Classification: Likely benign for Hereditary cancer-predisposing syndrome. Last evaluated: 2017-07-21. Review status: criteria provided, single submitter. Criteria: ACMG Guidelines, 2015. Collection method: clinical testing. Allele origin: germline.

Breast Cancer Information Core (BIC) (BRCA1)
Classification: Uncertain significance for Breast-ovarian cancer, familial 1. Last evaluated: 2004-02-20. Review status: no assertion criteria provided. Collection method: clinical testing. Allele origin: germline. Affected: yes. Observed: 3 variant alleles. Not counted in ClinVar's aggregate classification.

Literature cited by the submitters: PubMed 21990134 (cited by Women's Health and Genetics/Laboratory Corporation of America, LabCorp and Quest Diagnostics Nichols Institute San Juan Capistrano); PubMed 29161300 (cited by Women's Health and Genetics/Laboratory Corporation of America, LabCorp and Quest Diagnostics Nichols Institute San Juan Capistrano); PubMed 33087888 (cited by Women's Health and Genetics/Laboratory Corporation of America, LabCorp and Quest Diagnostics Nichols Institute San Juan Capistrano); PubMed 31131967 (cited by Quest Diagnostics Nichols Institute San Juan Capistrano); PubMed 17924331 (cited by Quest Diagnostics Nichols Institute San Juan Capistrano); PubMed 16518693 (cited by Quest Diagnostics Nichols Institute San Juan Capistrano); PubMed 16267036 (cited by Quest Diagnostics Nichols Institute San Juan Capistrano); PubMed 33471991 (cited by Quest Diagnostics Nichols Institute San Juan Capistrano).

NM_007294.4(BRCA1):c.1258G>T (p.Asp420Tyr)

Gene: BRCA1 (BRCA1 DNA repair associated; minus strand). Cytogenetic location: 17q21.31.
Variant type: single nucleotide variant.
Coding change: c.1258G>T on transcript NM_007294.4 (MANE Select); coding-DNA position 1258, G replaced by T.
Protein change: p.Asp420Tyr; replaces aspartic acid 420 with tyrosine.
Molecular consequence: missense variant. On other transcripts: intron variant (137).
Genome position (GRCh38, 1-based): chr17:43,094,273, C>A on the plus strand (G>T on the coding strand, the complement: BRCA1 is on the minus strand). VCF-style: chr17-43094273-C-A. GRCh37 (hg19) VCF-style: chr17-41246290-C-A.
Other names: p.D420Y:GAT>TAT; c.1045G>T, p.Asp349Tyr (NM_001407571.1, NM_001407853.1, NM_001407894.1 and 9 more transcripts); c.1258G>T, p.Asp420Tyr (NM_001407581.1, NM_001407582.1, NM_001407583.1 and 30 more transcripts); c.1255G>T, p.Asp419Tyr (NM_001407587.1, NM_001407590.1, NM_001407591.1 and 22 more transcripts); c.1249G>T, p.Asp417Tyr (NM_001407646.1, NM_001407647.1); c.1135G>T, p.Asp379Tyr (NM_001407648.1, NM_001407664.1, NM_001407665.1 and 19 more transcripts); c.1132G>T, p.Asp378Tyr (NM_001407649.1, NM_001407670.1, NM_001407671.1 and 11 more transcripts); c.1180G>T, p.Asp394Tyr (NM_001407653.1, NM_001407654.1, NM_001407655.1 and 4 more transcripts); and 41 more; short protein forms D420Y, D373Y, D124Y, D308Y, D252Y, D332Y, D349Y, D350Y.
Identifiers: ClinVar variation 54178 (VCV000054178.29), dbSNP rs80357488, ClinGen allele CA000830.